The following is an entry in ClinVar:

ClinVar aggregate classification (germline): Uncertain significance. Review status: criteria provided, multiple submitters, no conflicts (2 of 4 stars). 6 submissions from 6 submitters: Uncertain significance (5). 1 of the submissions does not count toward it. Last evaluated 2026-01-05.

Conditions:
CDH1-related disorder. Also called: CDH1-related condition.
Hereditary cancer-predisposing syndrome. Also called: Tumor predisposition; Neoplastic Syndromes, Hereditary; Hereditary neoplastic syndrome; Hereditary Cancer Syndrome. Identifiers: Orphanet 140162, MedGen C0027672, MeSH D009386, MONDO:0015356.
Hereditary diffuse gastric adenocarcinoma (HDGC). Also called: DIFFUSE GASTRIC AND LOBULAR BREAST CANCER SYNDROME. Identifiers: Orphanet 26106, MedGen C1708349, MONDO:0007648, OMIM 137215.

Allele frequency attached by ClinVar (database versions not stated): gnomAD exomes 0.00001 and 0.00003; ExAC 0.00002.
gnomAD v4.1: 39 of 1,614,214 alleles (0.0024%); highest among the groups gnomAD compares: Non-Finnish European, 0.0031%; no homozygotes.

Submissions (6):

Labcorp Genetics (formerly Invitae), Labcorp
Classification: Uncertain significance for Hereditary diffuse gastric adenocarcinoma. Last evaluated: 2026-01-05. Review status: criteria provided, single submitter. Criteria: Invitae Variant Classification Sherloc (09022015). Collection method: clinical testing. Allele origin: germline.
Comment: This sequence change replaces aspartic acid, which is acidic and polar, with histidine, which is basic and polar, at codon 858 of the CDH1 protein (p.Asp858His). This variant is present in population databases (rs587782025, gnomAD 0.002%). This missense change has been observed in individual(s) with pancreatic cancer (PMID: 26483394). ClinVar contains an entry for this variant (Variation ID: 141803). An algorithm developed to predict the effect of missense changes on protein structure and function (PolyPhen-2) suggests that this variant is likely to be disruptive. In summary, the available evidence is currently insufficient to determine the role of this variant in disease. Therefore, it has been classified as a Variant of Uncertain Significance.

PreventionGenetics, part of Exact Sciences
Classification: Uncertain significance for CDH1-related condition. Last evaluated: 2025-10-29. Review status: criteria provided, single submitter. Criteria: ACMG Guidelines, 2015. Collection method: clinical testing. Allele origin: germline.
Comment: The CDH1 c.2572G>C variant is predicted to result in the amino acid substitution p.Asp858His. This variant has been reported in a study of individuals with pancreatic cancer (Supplementary Table S1, Hu et al. 2015. PubMed ID: 26483394). This variant is reported in 0.0018% of alleles in individuals of European (Non-Finnish) descent in gnomAD and is interpreted as uncertain in ClinVar (Variation ID: 141803). At this time, the clinical significance of this variant is uncertain due to the absence of conclusive functional and genetic evidence.

Color Diagnostics, LLC DBA Color Health
Classification: Uncertain significance for Hereditary cancer-predisposing syndrome. Last evaluated: 2024-09-30. Review status: criteria provided, single submitter. Criteria: ACMG Guidelines, 2015. Collection method: clinical testing. Allele origin: germline.
Comment: This missense variant replaces aspartic acid with histidine at codon 858 of the CDH1 protein. To our knowledge, functional studies have not been reported for this variant. This variant has not been reported in individuals affected with hereditary cancer in the literature. This variant has been reported in an individual affected with pancreatic cancer (PMID: 26483394). This variant has been identified in 2/251486 chromosomes in the general population by the Genome Aggregation Database (gnomAD). The available evidence is insufficient to determine the role of this variant in disease conclusively. Therefore, this variant is classified as a Variant of Uncertain Significance.

Ambry Genetics
Classification: Uncertain significance for Hereditary cancer-predisposing syndrome. Last evaluated: 2024-04-01. Review status: criteria provided, single submitter. Criteria: Ambry Variant Classification Scheme 2023. Collection method: clinical testing. Allele origin: germline.
Comment: The p.D858H variant (also known as c.2572G>C), located in coding exon 16 of the CDH1 gene, results from a G to C substitution at nucleotide position 2572. The aspartic acid at codon 858 is replaced by histidine, an amino acid with similar properties. This alteration was previously reported in 1/96 individuals with pancreatic ductal adenocarcinoma via multi-gene cancer panel, who were unselected for family history. This individual was noted to have a family history of endometrial cancer, but no family history of breast or pancreatic cancer (Hu C et al. Cancer Epidemiol. Biomarkers Prev., 2016 Jan;25:207-11). This amino acid position is highly conserved in available vertebrate species. In addition, this alteration is predicted to be deleterious by in silico analysis. Since supporting evidence is limited at this time, the clinical significance of this alteration remains unclear.

GeneDx
Classification: Uncertain significance. Last evaluated: 2023-05-22. Review status: criteria provided, single submitter. Criteria: GeneDx Variant Classification Process June 2021. Collection method: clinical testing. Allele origin: germline. Affected: yes.
Comment: Not observed at significant frequency in large population cohorts (gnomAD); In silico analysis supports that this missense variant has a deleterious effect on protein structure/function; Identified in an individual with pancreatic cancer (Hu et al., 2016); This variant is associated with the following publications: (PMID: 15235021, 22850631, 26296696, 26483394)

Department of Pathology and Laboratory Medicine, Sinai Health System
Classification: Uncertain significance. Review status: no assertion criteria provided. Collection method: clinical testing. Allele origin: unknown. Affected: yes. Observed: 1 variant allele. Study: The Canadian Open Genetics Repository (COGR). Not counted in ClinVar's aggregate classification.
Comment: The CDH1 p.Asp858His variant was identified in 1 of 192 proband chromosomes (frequency: 0.005) from individuals or families with pancreatic cancer (Hu 2016). The variant was also identified in dbSNP (ID: rs587782025) as "With Uncertain significance allele", ClinVar (classified as uncertain significance by Invitae, Ambry Genetics, GeneDx and Color). The variant was identified in control databases in 2 of 246264 chromosomes at a frequency of 0.000008 (Genome Aggregation Database Feb 27, 2017). The variant was observed in the European in 2 of 111712 chromosomes (freq: 0.00002), but not in the African, Other, Latino, Ashkenazi Jewish, East Asian, Finnish, or South Asian populations. The p.Asp858 residue is conserved across mammals and other organisms, and four out of five computational analyses (PolyPhen-2, SIFT, AlignGVGD, BLOSUM, MutationTaster) suggest that the variant may impact the protein; however, this information is not predictive enough to assume pathogenicity. The variant occurs outside of the splicing consensus sequence and 1 of 4 in silico or computational prediction software programs (SpliceSiteFinder, MaxEntScan, NNSPLICE, GeneSplicer) predict a greater than 10% difference in splicing; this is not very predictive of pathogenicity. In summary, based on the above information, the clinical significance of this variant cannot be determined with certainty at this time. This variant is classified as a variant of uncertain significance.

Literature cited by the submitters: PubMed 26483394 (cited by 3 submitters); PubMed 26296696 (cited by Ambry Genetics).

NM_004360.5(CDH1):c.2572G>C (p.Asp858His)

Gene: CDH1 (cadherin 1; plus strand). Cytogenetic location: 16q22.1.
Variant type: single nucleotide variant.
Coding change: c.2572G>C on transcript NM_004360.5 (MANE Select); coding-DNA position 2572, G replaced by C.
Protein change: p.Asp858His; replaces aspartic acid 858 with histidine.
Molecular consequence: missense variant.
Genome position (GRCh38, 1-based): chr16:68,833,422, G>C. VCF-style: chr16-68833422-G-C. GRCh37 (hg19) VCF-style: chr16-68867325-G-C.
Other names: c.2572G>C (LRG_301t1); c.2389G>C, p.Asp797His (NM_001317184.2); c.1024G>C, p.Asp342His (NM_001317185.2); c.607G>C, p.Asp203His (NM_001317186.2); short protein forms D858H, D203H, D342H, D797H.
Identifiers: ClinVar variation 141803 (VCV000141803.21), dbSNP rs587782025, ClinGen allele CA166468.